The following is an entry in ClinVar:

NM_001377295.2(GNAT2):c.720G>A (p.Val240=)

Genes: GNAT2 (G protein subunit alpha transducin 2; minus strand), LOC129388577 (MPRA-validated peak357 silencer; plus strand). Cytogenetic location: 1p13.3.
Variant type: single nucleotide variant.
Coding change: c.720G>A on transcript NM_001377295.2 (MANE Select); coding-DNA position 720, G replaced by A.
Protein change: p.Val240=; no amino-acid change (valine 240 retained).
Molecular consequence: synonymous variant.
Genome position (GRCh38, 1-based): chr1:109,605,970, C>T on the plus strand (G>A on the coding strand, the complement: GNAT2 is on the minus strand). VCF-style: chr1-109605970-C-T. GRCh37 (hg19) VCF-style: chr1-110148592-C-T.
Other names: c.720G>A, p.Val240= (NM_001379232.1, NM_005272.5).
Identifiers: ClinVar variation 2125509 (VCV002125509.4), dbSNP rs2524336820, ClinGen allele CA419683004.

ClinVar aggregate classification (germline): Uncertain significance (1 of 4 stars; one submission).

Submission:

Labcorp Genetics (formerly Invitae), Labcorp
Classification: Uncertain significance. Last evaluated: 2022-04-16. Review status: criteria provided, single submitter. Criteria: Invitae Variant Classification Sherloc (09022015). Collection method: clinical testing. Allele origin: germline.
Comment: This variant has not been reported in the literature in individuals affected with GNAT2-related conditions. In summary, the available evidence is currently insufficient to determine the role of this variant in disease. Therefore, it has been classified as a Variant of Uncertain Significance. Variants that disrupt the consensus splice site are a relatively common cause of aberrant splicing (PMID: 17576681, 9536098). Algorithms developed to predict the effect of sequence changes on RNA splicing suggest that this variant may disrupt the consensus splice site. This sequence change affects codon 240 of the GNAT2 mRNA. It is a 'silent' change, meaning that it does not change the encoded amino acid sequence of the GNAT2 protein. This variant also falls at the last nucleotide of exon 6, which is part of the consensus splice site for this exon. This variant is not present in population databases (gnomAD no frequency).

Literature cited by the submitters: PubMed 17576681; PubMed 9536098.